The following is an entry in ClinVar:

NM_001080449.3(DNA2):c.2335dup (p.Ser779fs)

Gene: DNA2 (DNA replication helicase/nuclease 2; minus strand). Cytogenetic location: 10q21.3.
Variant type: Duplication.
Coding change: c.2335dup on transcript NM_001080449.3 (MANE Select); coding-DNA position 2335, one base duplicated (T; older notation c.2335dupT).
Protein change: p.Ser779fs; shifts the reading frame from serine 779.
Molecular consequence: frameshift variant. On other transcripts: non-coding transcript variant (1).
Genome position (GRCh38, 1-based): chr10:68,422,764, A duplicated on the plus strand (T on the coding strand, the reverse complement: DNA2 is on the minus strand); the first of 9 consecutive A bases (chr10:68,422,764-68,422,772); duplicating any one gives the same sequence. VCF-style (leftmost placement, unchanged base first): chr10-68422763-G-GA. GRCh37 (hg19) VCF-style: chr10-70182520-G-GA.
Other names: c.2335dup (NM_001080449.2); short protein forms S779fs.
Identifiers: ClinVar variation 2192427 (VCV002192427.5), dbSNP rs745893364, ClinGen allele CA5524847.

ClinVar aggregate classification (germline): Conflicting classifications of pathogenicity. Review status: criteria provided, conflicting classifications (1 of 4 stars). 2 submissions from 2 submitters: Likely pathogenic (1); Uncertain significance (1). Last evaluated 2024-08-22.

Submissions (2):

GeneDx
Classification: Likely pathogenic. Last evaluated: 2024-08-22. Review status: criteria provided, single submitter. Criteria: GeneDx Variant Classification Process June 2021. Collection method: clinical testing. Allele origin: germline. Affected: yes.
Comment: Frameshift variant predicted to result in protein truncation or nonsense mediated decay in a gene for which loss of function is a known mechanism of disease; Not observed at significant frequency in large population cohorts (gnomAD); Has not been previously published as pathogenic or benign to our knowledge

Labcorp Genetics (formerly Invitae), Labcorp
Classification: Uncertain significance. Last evaluated: 2024-08-01. Review status: criteria provided, single submitter. Criteria: Invitae Variant Classification Sherloc (09022015). Collection method: clinical testing. Allele origin: germline.
Comment: This sequence change creates a premature translational stop signal (p.Ser779Phefs*21) in the DNA2 gene. It is expected to result in an absent or disrupted protein product. However, the current clinical and genetic evidence is not sufficient to establish whether loss-of-function variants in DNA2 cause disease. The frequency data for this variant in the population databases is considered unreliable, as metrics indicate poor data quality at this position in the gnomAD database. This variant has not been reported in the literature in individuals affected with DNA2-related conditions. ClinVar contains an entry for this variant (Variation ID: 2192427). In summary, the available evidence is currently insufficient to determine the role of this variant in disease. Therefore, it has been classified as a Variant of Uncertain Significance.